The following is an entry in ClinVar:

ClinVar aggregate classification (germline): Uncertain significance. Review status: criteria provided, multiple submitters, no conflicts (2 of 4 stars). 2 submissions from 2 submitters: Uncertain significance (2). Last evaluated 2024-01-20.

Conditions:
Hematuria, benign familial, 1 (BFH1). Also called: THIN MEMBRANE NEPHROPATHY. Identifiers: MedGen CN376803, MONDO:0007709, OMIM 141200.
Autosomal recessive Alport syndrome (ATS2). Also called: ALPORT SYNDROME 2, AUTOSOMAL RECESSIVE; Alport syndrome type 2; COL4A3-Related Nephropathy; COL4A4 Alport Syndrome and Thin Basement Membrane Nephropathy. Identifiers: Orphanet 63, Orphanet 88919, MedGen C4746745, MONDO:0008762, OMIM 203780.

Allele frequency attached by ClinVar (database versions not stated): gnomAD 0.00001; TOPMed 0.00001; gnomAD exomes 0.00002.
gnomAD v4.1: 34 of 1,612,246 alleles (0.0021%); highest among the groups gnomAD compares: Non-Finnish European, 0.0028%; no homozygotes.

Submissions (2):

Fulgent Genetics
Classification: Uncertain significance for Hematuria, benign familial, 1; Autosomal recessive Alport syndrome. Last evaluated: 2024-01-20. Review status: criteria provided, single submitter. Criteria: ACMG Guidelines, 2015. Collection method: clinical testing. Allele origin: germline.

Women's Health and Genetics/Laboratory Corporation of America, LabCorp
Classification: Uncertain significance. Last evaluated: 2023-12-13. Review status: criteria provided, single submitter. Criteria: LabCorp Variant Classification Summary - May 2015. Collection method: clinical testing. Allele origin: germline.
Comment: Variant summary: COL4A4 c.4067C>T (p.Pro1356Leu) results in a non-conservative amino acid change located in a collagen triple helix repeat (IPR008160) of the encoded protein sequence. Three of five in-silico tools predict a benign effect of the variant on protein function. The variant allele was found at a frequency of 8e-06 in 249448 control chromosomes (gnomAD). The available data on variant occurrences in the general population are insufficient to allow any conclusion about variant significance. To our knowledge, no occurrence of c.4067C>T in individuals affected with Alport Syndrome, Autosomal Recessive and no experimental evidence demonstrating its impact on protein function have been reported. No submitters have reported clinical-significance assessments for this variant to ClinVar after 2014. Based on the evidence outlined above, the variant was classified as uncertain significance.

NM_000092.5(COL4A4):c.4067C>T (p.Pro1356Leu)

Gene: COL4A4 (collagen type IV alpha 4 chain; minus strand). Cytogenetic location: 2q36.3.
Variant type: single nucleotide variant.
Coding change: c.4067C>T on transcript NM_000092.5 (MANE Select); coding-DNA position 4067, C replaced by T.
Protein change: p.Pro1356Leu; replaces proline 1356 with leucine.
Molecular consequence: missense variant.
Genome position (GRCh38, 1-based): chr2:227,027,916, G>A on the plus strand (C>T on the coding strand, the complement: COL4A4 is on the minus strand). VCF-style: chr2-227027916-G-A. GRCh37 (hg19) VCF-style: chr2-227892632-G-A.
Other names: short protein forms P1356L.
Identifiers: ClinVar variation 2691656 (VCV002691656.2), dbSNP rs1472133934, ClinGen allele CA350836953.